The following is an entry in ClinVar:

ClinVar aggregate classification (germline): Likely benign (1 of 4 stars; one submission).

Conditions:
LRRC45-related disorder. Also called: LRRC45-related condition.

Submission:

PreventionGenetics, part of Exact Sciences
Classification: Likely benign for LRRC45-related condition. Last evaluated: 2025-08-14. Review status: criteria provided, single submitter. Criteria: ACMG Guidelines, 2015. Collection method: clinical testing. Allele origin: germline.
Comment: This variant is classified as likely benign based on ACMG/AMP sequence variant interpretation guidelines (Richards et al. 2015 PMID: 25741868, with internal and published modifications).

NM_144999.4(LRRC45):c.1941G>A (p.Ala647=)

Gene: LRRC45 (leucine rich repeat containing 45; plus strand). Cytogenetic location: 17q25.3.
Variant type: single nucleotide variant.
Coding change: c.1941G>A on transcript NM_144999.4 (MANE Select); coding-DNA position 1941, G replaced by A.
Protein change: p.Ala647=; no amino-acid change (alanine 647 retained).
Molecular consequence: synonymous variant.
Genome position (GRCh38, 1-based): chr17:82,030,733, G>A. VCF-style: chr17-82030733-G-A. GRCh37 (hg19) VCF-style: chr17-79988609-G-A.
Identifiers: ClinVar variation 4982014 (VCV004982014.1).